The following is an entry in ClinVar:

NM_006363.6(SEC23B):c.277C>G (p.Gln93Glu)

Gene: SEC23B (SEC23 homolog B, COPII component; plus strand). Cytogenetic location: 20p11.23.
Variant type: single nucleotide variant.
Coding change: c.277C>G on transcript NM_006363.6 (MANE Select); coding-DNA position 277, C replaced by G.
Protein change: p.Gln93Glu; replaces glutamine 93 with glutamic acid.
Molecular consequence: missense variant.
Genome position (GRCh38, 1-based): chr20:18,512,280, C>G. VCF-style: chr20-18512280-C-G. GRCh37 (hg19) VCF-style: chr20-18492924-C-G.
Other names: c.277C>G, p.Gln93Glu (NM_001172745.3, NM_001172746.3, NM_032985.6 and 1 more transcripts); short protein forms Q93E.
Identifiers: ClinVar variation 4997008 (VCV004997008.1).

ClinVar aggregate classification (germline): Uncertain significance (1 of 4 stars; one submission).

Conditions:
SEC23B-related disorder. Also called: SEC23B-related disorders; SEC23B-related condition.

Submission:

PreventionGenetics, part of Exact Sciences
Classification: Uncertain significance for SEC23B-related condition. Last evaluated: 2025-03-19. Review status: criteria provided, single submitter. Criteria: ACMG Guidelines, 2015. Collection method: clinical testing. Allele origin: germline.
Comment: The SEC23B c.277C>G variant is predicted to result in the amino acid substitution p.Gln93Glu. To our knowledge, this variant has not been reported in the literature or in a large population database (gnomAD), indicating this variant is rare. At this time, the clinical significance of this variant is uncertain due to the absence of conclusive functional and genetic evidence.